The following is an entry in ClinVar:

ClinVar aggregate classification (germline): Uncertain significance (1 of 4 stars; one submission).

gnomAD v4.1: 1 of 1,613,742 alleles (0.000062%); highest among the groups gnomAD compares: East Asian, 0.0022%; no homozygotes.

Submission:

Women's Health and Genetics/Laboratory Corporation of America, LabCorp
Classification: Uncertain significance. Last evaluated: 2025-03-25. Review status: criteria provided, single submitter. Criteria: LabCorp Variant Classification Summary - May 2015. Collection method: clinical testing. Allele origin: germline.
Comment: Variant summary: TSHR c.1454C>A (p.Ala485Asp) results in a non-conservative amino acid change in the encoded protein sequence. Five of five in-silico tools predict a damaging effect of the variant on protein function. The variant allele was found at a frequency of 4e-06 in 251122 control chromosomes. The available data on variant occurrences in the general population are insufficient to allow any conclusion about variant significance. c.1454C>A has been reported in the literature in individuals identified by newborn screening with Hypothyroidism Due To TSH Receptor Mutations (e.g. Park_2016, Zhou_2023, Zhang_2023). These report(s) do not provide unequivocal conclusions about association of the variant with Hypothyroidism Due To TSH Receptor Mutations. To our knowledge, no experimental evidence demonstrating an impact on protein function has been reported. The following publications have been ascertained in the context of this evaluation (PMID: 27578510, 37390946, 38105685). No submitters have cited clinical-significance assessments for this variant to ClinVar. Based on the evidence outlined above, the variant was classified as uncertain significance.

Literature cited by the submitters: PubMed 27578510; PubMed 37390946; PubMed 38105685.

NM_000369.5(TSHR):c.1454C>A (p.Ala485Asp)

Genes: TSHR (thyroid stimulating hormone receptor; plus strand), TSHR-AS1 (TSHR antisense RNA 1; minus strand). Cytogenetic location: 14q31.1.
Variant type: single nucleotide variant.
Coding change: c.1454C>A on transcript NM_000369.5 (MANE Select); coding-DNA position 1454, C replaced by A.
Protein change: p.Ala485Asp; replaces alanine 485 with aspartic acid.
Molecular consequence: missense variant.
Genome position (GRCh38, 1-based): chr14:81,143,512, C>A. VCF-style: chr14-81143512-C-A. GRCh37 (hg19) VCF-style: chr14-81609856-C-A.
Other names: short protein forms A485D.
Identifiers: ClinVar variation 3895972 (VCV003895972.1).
Genomic context (GRCh38, chr14:81,143,512, plus strand): 5'-TGTACCTGCTCCTCATCGCCTCTGTAGACCTCTACACTCACTCTGAGTACTACAACCATG[C>A]CATCGACTGGCAGACAGGCCCTGGGTGCAACACGGCTGGTTTCTTCACTGTCTTTGCAAG-3'
Protein context (NP_000360.2, residues 475-495): LYTHSEYYNH[Ala485Asp]IDWQTGPGCN